The following is an entry in ClinVar:

NM_006941.4(SOX10):c.233A>C (p.Gln78Pro)

Genes: POLR2F (RNA polymerase II, I and III subunit F; plus strand), SOX10 (SRY-box transcription factor 10; minus strand). Cytogenetic location: 22q13.1.
Variant type: single nucleotide variant.
Coding change: c.233A>C on transcript NM_006941.4 (MANE Select); coding-DNA position 233, A replaced by C.
Protein change: p.Gln78Pro; replaces glutamine 78 with proline.
Molecular consequence: missense variant. On other transcripts: intron variant (3).
Genome position (GRCh38, 1-based): chr22:37,983,552, T>G on the plus strand (A>C on the coding strand, the complement: SOX10 is on the minus strand). VCF-style: chr22-37983552-T-G. GRCh37 (hg19) VCF-style: chr22-38379559-T-G.
Other names: c.*38+11242T>G (NM_001363825.1); c.294-2602T>G (NM_001301130.2); c.293+16382T>G (NM_001301131.2); short protein forms Q78P.
Identifiers: ClinVar variation 3363374 (VCV003363374.1).

ClinVar aggregate classification (germline): Uncertain significance (1 of 4 stars; one submission).

Submission:

GeneDx
Classification: Uncertain significance. Last evaluated: 2023-10-31. Review status: criteria provided, single submitter. Criteria: GeneDx Variant Classification Process June 2021. Collection method: clinical testing. Allele origin: germline. Affected: yes.
Comment: Not observed at significant frequency in large population cohorts (gnomAD); In silico analysis supports that this missense variant has a deleterious effect on protein structure/function; Has not been previously published as pathogenic or benign to our knowledge